The following is an entry in ClinVar:

ClinVar aggregate classification (germline): Uncertain significance. Review status: criteria provided, multiple submitters, no conflicts (2 of 4 stars). 2 submissions from 2 submitters: Uncertain significance (2). Last evaluated 2025-11-19.

Conditions:
Hereditary sensory and autonomic neuropathy type 7. Also called: HSAN VII; Neuropathy, hereditary sensory and autonomic, type VII. Identifiers: Orphanet 391397, MedGen C3809882, MONDO:0014244, OMIM 615548.
Familial episodic pain syndrome with predominantly lower limb involvement. Also called: Episodic pain syndrome, familial, 3. Identifiers: Orphanet 391384, Orphanet 391392, MedGen C3809899, MONDO:0014247, OMIM 615552.

Allele frequency attached by ClinVar (database versions not stated): gnomAD exomes below 0.00001; ExAC 0.00001.

Submissions (2):

Women's Health and Genetics/Laboratory Corporation of America, LabCorp
Classification: Uncertain significance. Last evaluated: 2025-11-19. Review status: criteria provided, single submitter. Criteria: LabCorp Variant Classification Summary - May 2015. Collection method: clinical testing. Allele origin: germline.
Comment: Variant summary: SCN11A c.3951+1A>G is located in a canonical splice-site and is predicted to affect mRNA splicing resulting in a significantly altered protein due to either exon skipping, shortening, or inclusion of intronic material. Variants that disrupt the consensus splice site are a relatively common cause of aberrant splicing, however current evidence is not sufficient to establish loss of function as a mechanism for disease. Consensus agreement among computation tools predict no significant impact on normal splicing. However, these predictions have yet to be confirmed by functional studies. The variant allele was found at a frequency of 4e-06 in 248890 control chromosomes. The available data on variant occurrences in the general population are insufficient to allow any conclusion about variant significance. To our knowledge, no occurrence of c.3951+1A>G in individuals affected with SCN11A-related conditions and no experimental evidence demonstrating its impact on protein function have been reported. ClinVar contains an entry for this variant (Variation ID: 1517119). Based on the evidence outlined above, the variant was classified as uncertain significance.

Labcorp Genetics (formerly Invitae), Labcorp
Classification: Uncertain significance for Familial episodic pain syndrome with predominantly lower limb involvement; Hereditary sensory and autonomic neuropathy type 7. Last evaluated: 2021-12-15. Review status: criteria provided, single submitter. Criteria: Invitae Variant Classification Sherloc (09022015). Collection method: clinical testing. Allele origin: germline.
Comment: This sequence change falls in intron 23 of the SCN11A gene. It does not directly change the encoded amino acid sequence of the SCN11A protein. It affects a nucleotide within the consensus splice site. This variant is present in population databases (rs748450083, gnomAD 0.0009%). This variant has not been reported in the literature in individuals affected with SCN11A-related conditions. Variants that disrupt the consensus splice site are a relatively common cause of aberrant splicing (PMID: 17576681, 9536098). Algorithms developed to predict the effect of sequence changes on RNA splicing suggest that this variant may create or strengthen a splice site. In summary, the available evidence is currently insufficient to determine the role of this variant in disease. Therefore, it has been classified as a Variant of Uncertain Significance.

Literature cited by the submitters: PubMed 17576681 (cited by Labcorp Genetics (formerly Invitae), Labcorp); PubMed 9536098 (cited by Labcorp Genetics (formerly Invitae), Labcorp).

NM_001349253.2(SCN11A):c.3951+1A>G

Gene: SCN11A (sodium voltage-gated channel alpha subunit 11; minus strand). Cytogenetic location: 3p22.2.
Variant type: single nucleotide variant.
Coding change: c.3951+1A>G on transcript NM_001349253.2 (MANE Select); the canonical splice donor site of the intron after coding-DNA position 3951, A replaced by G.
Molecular consequence: splice donor variant.
Genome position (GRCh38, 1-based): chr3:38,867,320, T>C on the plus strand (A>G on the coding strand, the complement: SCN11A is on the minus strand). VCF-style: chr3-38867320-T-C. GRCh37 (hg19) VCF-style: chr3-38908811-T-C.
Other names: c.3951+1A>G (NM_014139.3).
Identifiers: ClinVar variation 1517119 (VCV001517119.7), dbSNP rs748450083, ClinGen allele CA2321657.